The following is an entry in ClinVar:

ClinVar aggregate classification (germline): Uncertain significance (1 of 4 stars; one submission).

Allele frequency attached by ClinVar (database versions not stated): TOPMed 0.00002; gnomAD 0.00002; ExAC 0.00004.
gnomAD v4.1: 35 of 1,594,700 alleles (0.0022%); highest among the groups gnomAD compares: South Asian, 0.0045%; no homozygotes.

Submission:

Labcorp Genetics (formerly Invitae), Labcorp
Classification: Uncertain significance. Last evaluated: 2023-07-17. Review status: criteria provided, single submitter. Criteria: Invitae Variant Classification Sherloc (09022015). Collection method: clinical testing. Allele origin: germline.
Comment: This sequence change replaces arginine, which is basic and polar, with glutamine, which is neutral and polar, at codon 245 of the FSCN2 protein (p.Arg245Gln). This variant is present in population databases (rs782272650, gnomAD 0.01%). This variant has not been reported in the literature in individuals affected with FSCN2-related conditions. ClinVar contains an entry for this variant (Variation ID: 2061006). An algorithm developed to predict the effect of missense changes on protein structure and function (PolyPhen-2) suggests that this variant is likely to be disruptive. In summary, the available evidence is currently insufficient to determine the role of this variant in disease. Therefore, it has been classified as a Variant of Uncertain Significance.

NM_012418.4(FSCN2):c.734G>A (p.Arg245Gln)

Gene: FSCN2 (fascin actin-bundling protein 2, retinal; plus strand). Cytogenetic location: 17q25.3.
Variant type: single nucleotide variant.
Coding change: c.734G>A on transcript NM_012418.4 (MANE Select); coding-DNA position 734, G replaced by A.
Protein change: p.Arg245Gln; replaces arginine 245 with glutamine.
Molecular consequence: missense variant.
Genome position (GRCh38, 1-based): chr17:81,529,265, G>A. VCF-style: chr17-81529265-G-A. GRCh37 (hg19) VCF-style: chr17-79496291-G-A.
Other names: c.734G>A, p.Arg245Gln (NM_001077182.3); short protein forms R245Q.
Identifiers: ClinVar variation 2061006 (VCV002061006.4), dbSNP rs782272650, ClinGen allele CA8836767.
Genomic context (GRCh38, chr17:81,529,265, plus strand): 5'-ACGGCCACTACCTGGCACCCGTGGGGCCCGCAGGCACCCTCAAGGCCGGCCGAAACACGC[G>A]ACCTGGCAAGGATGAGCTCTTTGATCTGGAGGAGAGTCACCCACAGGTGGTGCTGGTGGC-3'
Protein context (NP_036550.1, residues 235-255): AGTLKAGRNT[Arg245Gln]PGKDELFDLE